The following is an entry in ClinVar:

NM_001039591.3(USP9X):c.448A>T (p.Asn150Tyr)

Gene: USP9X (ubiquitin specific peptidase 9 X-linked; plus strand). Cytogenetic location: Xp11.4.
Variant type: single nucleotide variant.
Coding change: c.448A>T on transcript NM_001039591.3 (MANE Select); coding-DNA position 448, A replaced by T.
Protein change: p.Asn150Tyr; replaces asparagine 150 with tyrosine.
Molecular consequence: missense variant.
Genome position (GRCh38, 1-based): chrX:41,136,816, A>T. VCF-style: chrX-41136816-A-T. GRCh37 (hg19) VCF-style: chrX-40996069-A-T.
Other names: c.448A>T (NM_001039590.2); c.448A>T, p.Asn150Tyr (NM_001039590.3, NM_001410748.1, NM_001410749.1); short protein forms N150Y.
Identifiers: ClinVar variation 2894959 (VCV002894959.4), dbSNP rs1411236915, ClinGen allele CA412762663.

ClinVar aggregate classification (germline): Uncertain significance. Review status: criteria provided, multiple submitters, no conflicts (2 of 4 stars). 2 submissions from 2 submitters: Uncertain significance (2). Last evaluated 2024-03-25.

Conditions:
Inborn genetic diseases. Identifiers: MedGen C0950123, MeSH D030342.

Allele frequency attached by ClinVar (database versions not stated): gnomAD exomes 0.00004.
gnomAD v4.1: 48 of 1,209,369 alleles (0.004%); highest among the groups gnomAD compares: Non-Finnish European, 0.0053%; no homozygotes.

Submissions (2):

Ambry Genetics
Classification: Uncertain significance for Inborn genetic diseases. Last evaluated: 2024-03-25. Review status: criteria provided, single submitter. Criteria: Ambry Variant Classification Scheme 2023. Collection method: clinical testing. Allele origin: germline.

Labcorp Genetics (formerly Invitae), Labcorp
Classification: Uncertain significance. Last evaluated: 2023-08-28. Review status: criteria provided, single submitter. Criteria: Invitae Variant Classification Sherloc (09022015). Collection method: clinical testing. Allele origin: germline.
Comment: This sequence change replaces asparagine, which is neutral and polar, with tyrosine, which is neutral and polar, at codon 150 of the USP9X protein (p.Asn150Tyr). This variant is present in population databases (no rsID available, gnomAD 0.003%), including at least one homozygous and/or hemizygous individual. This variant has not been reported in the literature in individuals affected with USP9X-related conditions. An algorithm developed to predict the effect of missense changes on protein structure and function (PolyPhen-2) suggests that this variant is likely to be disruptive. In summary, the available evidence is currently insufficient to determine the role of this variant in disease. Therefore, it has been classified as a Variant of Uncertain Significance.